The following is an entry in ClinVar:

NM_001273.5(CHD4):c.4051G>A (p.Glu1351Lys)

Genes: CHD4 (chromodomain helicase DNA binding protein 4; minus strand), CHD4-AS1 (CHD4 antisense RNA 1; plus strand). Cytogenetic location: 12p13.31.
Variant type: single nucleotide variant.
Coding change: c.4051G>A on transcript NM_001273.5 (MANE Select); coding-DNA position 4051, G replaced by A.
Protein change: p.Glu1351Lys; replaces glutamic acid 1351 with lysine.
Molecular consequence: missense variant.
Genome position (GRCh38, 1-based): chr12:6,583,207, C>T on the plus strand (G>A on the coding strand, the complement: CHD4 is on the minus strand). VCF-style: chr12-6583207-C-T. GRCh37 (hg19) VCF-style: chr12-6692373-C-T.
Other names: c.4030G>A, p.Glu1344Lys (NM_001297553.2); c.4012G>A, p.Glu1338Lys (NM_001363606.2); short protein forms E1338K, E1344K, E1351K.
Identifiers: ClinVar variation 3390167 (VCV003390167.14).

ClinVar aggregate classification (germline): Uncertain significance (1 of 4 stars; one submission).

Submission:

CeGaT Center for Human Genetics Tuebingen
Classification: Uncertain significance. Last evaluated: 2025-06-01. Review status: criteria provided, single submitter. Criteria: CeGaT Center For Human Genetics Tuebingen Variant Classification Criteria Version 2. Collection method: clinical testing. Allele origin: germline. Affected: yes. Observed: 2 variant alleles.
Comment: CHD4: PM2, PP2, PP3